The following is an entry in ClinVar:

ClinVar aggregate classification (germline): Conflicting classifications of pathogenicity. Review status: criteria provided, conflicting classifications (1 of 4 stars). 12 submissions from 12 submitters: Uncertain significance (5); Benign (1); Likely benign (3). 3 of the submissions do not count toward it. Last evaluated 2026-10-26.

Conditions:
Ehlers-Danlos syndrome, classic type, 1 (EDSCL1). Also called: EHLERS-DANLOS SYNDROME, GRAVIS TYPE; EHLERS-DANLOS SYNDROME, SEVERE CLASSIC TYPE; Ehlers-Danlos syndrome, type 1; Ehlers-Danlos Syndrome, Classic Type, COL5A1-Related; EDS I. Identifiers: MedGen C0268335, MONDO:0019567, OMIM 130000.
Familial thoracic aortic aneurysm and aortic dissection (TAAD). Also called: Thoracic aortic aneurysms and dissections. Identifiers: Orphanet 91387, MedGen C4707243, MONDO:0019625.
Ehlers-Danlos syndrome (EDS). Identifiers: Orphanet 98249, MedGen C0013720, MONDO:0020066.
Ehlers-Danlos syndrome, classic type (cEDS). Identifiers: Orphanet 287, MedGen C4225429, MONDO:0007522.

Allele frequency attached by ClinVar (database versions not stated): ExAC 0.00008; TOPMed 0.00009; gnomAD exomes 0.00010; gnomAD 0.00011 and 0.00012; 1000 Genomes Project 30x 0.00016; 1000 Genomes Project 0.00020.
gnomAD v4.1: 328 of 1,613,962 alleles (0.02%); highest among the groups gnomAD compares: Non-Finnish European, 0.026%; no homozygotes.

Submissions (12):

GeneDx
Classification: Uncertain significance. Last evaluated: 2026-10-26. Review status: criteria provided, single submitter. Criteria: GeneDx Variant Classification Process June 2021. Collection method: clinical testing. Allele origin: germline.
Comment: Has not been previously published as pathogenic or benign in association with a COL5A1-related disorder to our knowledge; Occurs in the triple helical domain at the Y position in the canonical Gly-X-Y repeat; although this variant may have an effect on normal protein folding and function, missense substitution at the Y position is not a common mechanism of disease (PMID: 22696272; HGMD); In silico analysis supports that this missense variant has a deleterious effect on protein structure/function; This variant is associated with the following publications: (PMID: 22696272, 33206719)

Labcorp Genetics (formerly Invitae), Labcorp
Classification: Likely benign for Ehlers-Danlos syndrome, classic type, 1. Last evaluated: 2026-01-19. Review status: criteria provided, single submitter. Criteria: Invitae Variant Classification Sherloc (09022015). Collection method: clinical testing. Allele origin: germline.

Ambry Genetics
Classification: Uncertain significance for Familial thoracic aortic aneurysm and aortic dissection. Last evaluated: 2025-05-14. Review status: criteria provided, single submitter. Criteria: Ambry Variant Classification Scheme 2023. Collection method: clinical testing. Allele origin: germline.
Comment: The p.R630W variant (also known as c.1888C>T), located in coding exon 18 of the COL5A1 gene, results from a C to T substitution at nucleotide position 1888. The arginine at codon 630 is replaced by tryptophan, an amino acid with dissimilar properties. This amino acid position is highly conserved in available vertebrate species. In addition, this alteration is predicted to be deleterious by in silico analysis. Since supporting evidence is limited at this time, the clinical significance of this alteration remains unclear.

CeGaT Center for Human Genetics Tuebingen
Classification: Likely benign. Last evaluated: 2024-05-01. Review status: criteria provided, single submitter. Criteria: CeGaT Center For Human Genetics Tuebingen Variant Classification Criteria Version 2. Collection method: clinical testing. Allele origin: germline. Affected: yes. Observed: 1 variant allele.
Comment: COL5A1: PP3, BS1

Women's Health and Genetics/Laboratory Corporation of America, LabCorp
Classification: Likely benign. Last evaluated: 2024-03-13. Review status: criteria provided, single submitter. Criteria: LabCorp Variant Classification Summary - May 2015. Collection method: clinical testing. Allele origin: germline.
Comment: Variant summary: COL5A1 c.1888C>T (p.Arg630Trp) results in a non-conservative amino acid change in the encoded protein sequence. Five of five in-silico tools predict a damaging effect of the variant on protein function. The variant allele was found at a frequency of 0.0001 in 251012 control chromosomes (gnomAD). The observed variant frequency is approximately 3.2-fold of the estimated maximal expected allele frequency for a pathogenic variant in COL5A1 causing Ehlers-Danlos Syndrome phenotype (3.1e-05), strongly suggesting that the variant is benign. To our knowledge, no occurrence of c.1888C>T in individuals affected with Ehlers-Danlos Syndrome and no experimental evidence demonstrating its impact on protein function have been reported. ClinVar contains an entry for this variant (Variation ID: 212944). Based on the evidence outlined above, the variant was classified as likely benign.

Mayo Clinic Laboratories, Mayo Clinic
Classification: Uncertain significance. Last evaluated: 2024-01-24. Review status: criteria provided, single submitter. Criteria: ACMG Guidelines, 2015. Collection method: clinical testing. Allele origin: germline. Observed: 1 variant allele.
Comment: BS1, PP3

ARUP Laboratories, Molecular Genetics and Genomics, ARUP Laboratories
Classification: Uncertain significance. Last evaluated: 2023-04-27. Review status: criteria provided, single submitter. Criteria: ARUP Molecular Germline Variant Investigation Process 2024. Collection method: clinical testing. Allele origin: germline.
Comment: The COL5A1 c.1888C>T; p.Arg630Trp variant (rs577618553), to our knowledge, is not reported in the medical literature but is reported in ClinVar (Variation ID: 212944). This variant is found in the non-Finnish European population with an allele frequency of 0.02% (25/128836 alleles) in the Genome Aggregation Database. Computational analyses predict that this variant is deleterious (REVEL: 0.85). Due to limited information, the clinical significance of this variant is uncertain at this time.

Genome Diagnostics Laboratory, The Hospital for Sick Children
Classification: Benign for Ehlers-Danlos syndrome. Last evaluated: 2021-09-07. Review status: criteria provided, single submitter. Criteria: ACMG Guidelines, 2015. Collection method: clinical testing. Allele origin: germline.

Fulgent Genetics
Classification: Uncertain significance for Ehlers-Danlos syndrome, classic type, 1. Last evaluated: 2018-10-31. Review status: criteria provided, single submitter. Criteria: ACMG Guidelines, 2015. Collection method: clinical testing. Allele origin: unknown.

Zotz-Klimas Genetics Lab, MVZ Zotz Klimas
Classification: Uncertain significance for Ehlers-Danlos syndrome, classic type, 1. Last evaluated: 2023-11-02. Review status: no assertion criteria provided. Collection method: clinical testing. Allele origin: germline. Affected: yes. Not counted in ClinVar's aggregate classification.

Clinical Genetics DNA and cytogenetics Diagnostics Lab, Erasmus MC, Erasmus Medical Center
Classification: Uncertain significance. Review status: no assertion criteria provided. Collection method: clinical testing. Allele origin: germline. Affected: yes. Study: VKGL Data-share Consensus. Not counted in ClinVar's aggregate classification.

Genome Diagnostics Laboratory, University Medical Center Utrecht
Classification: Uncertain significance. Review status: no assertion criteria provided. Collection method: clinical testing. Allele origin: germline. Affected: yes. Study: VKGL Data-share Consensus. Not counted in ClinVar's aggregate classification.

Literature cited by the submitters: PubMed 33206719 (cited by Ambry Genetics and Mayo Clinic Laboratories, Mayo Clinic).

NM_000093.5(COL5A1):c.1888C>T (p.Arg630Trp)

Gene: COL5A1 (collagen type V alpha 1 chain; plus strand). Cytogenetic location: 9q34.3.
Variant type: single nucleotide variant.
Coding change: c.1888C>T on transcript NM_000093.5 (MANE Select); coding-DNA position 1888, C replaced by T.
Protein change: p.Arg630Trp; replaces arginine 630 with tryptophan.
Molecular consequence: missense variant.
Genome position (GRCh38, 1-based): chr9:134,758,249, C>T. VCF-style: chr9-134758249-C-T. GRCh37 (hg19) VCF-style: chr9-137650095-C-T.
Other names: p.R630W:CGG>TGG; p.Arg630Trp; c.1888C>T, p.Arg630Trp (NM_001278074.1); short protein forms R630W.
Identifiers: ClinVar variation 212944 (VCV000212944.48), dbSNP rs577618553, ClinGen allele CA323454.